The following is an entry in ClinVar:

NM_024757.5(EHMT1):c.562G>A (p.Asp188Asn)

Gene: EHMT1 (euchromatic histone lysine methyltransferase 1; plus strand). Cytogenetic location: 9q34.3.
Variant type: single nucleotide variant.
Coding change: c.562G>A on transcript NM_024757.5 (MANE Select); coding-DNA position 562, G replaced by A.
Protein change: p.Asp188Asn; replaces aspartic acid 188 with asparagine.
Molecular consequence: missense variant.
Genome position (GRCh38, 1-based): chr9:137,717,102, G>A. VCF-style: chr9-137717102-G-A. GRCh37 (hg19) VCF-style: chr9-140611554-G-A.
Other names: c.562G>A, p.Asp188Asn (NM_001145527.2, NM_001354263.2, NM_001354611.2); c.469G>A, p.Asp157Asn (NM_001354259.2, NM_001354612.2); short protein forms D157N, D188N.
Identifiers: ClinVar variation 4881533 (VCV004881533.2).

ClinVar aggregate classification (germline): Uncertain significance (1 of 4 stars; one submission).

Submission:

Dasa
Classification: Uncertain significance. Last evaluated: 2025-01-10. Review status: criteria provided, single submitter. Criteria: DASA Assertion Criteria. Collection method: clinical testing. Allele origin: germline.
Comment: NM_024757.5(EHMT1):c.562G>A (p.Asp188Asn) is a missense variant that results in the substitution of aspartic acid with asparagine. This variant is absent from population databases. Computational prediction algorithms are consistent with a benign effect. The currently available literature and clinical evidence are not sufficient to establish a definitive association between this variant and the reported condition. Therefore, this variant is classified as a variant of uncertain significance.